The following is an entry in ClinVar:

NM_000350.3(ABCA4):c.5637del (p.Phe1880fs)

Gene: ABCA4 (ATP binding cassette subfamily A member 4; minus strand). Cytogenetic location: 1p22.1.
Variant type: Deletion.
Coding change: c.5637del on transcript NM_000350.3 (MANE Select); coding-DNA position 5637, one base deleted (G; older notation c.5637delG).
Protein change: p.Phe1880fs; shifts the reading frame from phenylalanine 1880.
Molecular consequence: frameshift variant.
Genome position (GRCh38, 1-based): chr1:94,010,877, C deleted on the plus strand (G on the coding strand, the reverse complement: ABCA4 is on the minus strand). VCF-style (leftmost placement, unchanged base first): chr1-94010876-AC-A. GRCh37 (hg19) VCF-style: chr1-94476432-AC-A.
Other names: NM_000350.3:c.5637del; c.5415delG, p.Phe1806Leufs (NM_001425324.1); short protein forms F1880fs.
Identifiers: ClinVar variation 2412706 (VCV002412706.3), dbSNP rs2523655537, ClinGen allele CA2573332394.
Genomic context (GRCh38, chr1:94,010,876, plus strand): 5'-AGTGGCGCTGGACCAGCAGGGTCAGGAGGAAGTACACCACCCCTTCCACCACCATGGCAA[AC>A]AGGTTCTTCCCAATCAGGTCCCAGTGGAACGGATTTGCAGAGTGCTCCTCACCTGGGCAT-3'

ClinVar aggregate classification (germline): Pathogenic/Likely pathogenic. Review status: criteria provided, multiple submitters, no conflicts (2 of 4 stars). 3 submissions from 3 submitters: Pathogenic (2); Likely pathogenic (1). Last evaluated 2024-10-01.

Conditions:
Severe early-childhood-onset retinal dystrophy (STGD1). Also called: Stargardt macular dystrophy; Juvenile onset macular degeneration; Stargardt disease 1; MACULAR DYSTROPHY WITH FLECKS, TYPE 1; STGD. Identifiers: Orphanet 364055, Orphanet 827, MedGen C1855465, MeSH D000080362, MONDO:0009549, OMIM 248200.
Retinitis pigmentosa (RP). Identifiers: Orphanet 791, MedGen C0035334, MeSH D012174, MONDO:0019200, OMIM 268000. Inheritance: Autosomal dominant, autosomal recessive and X linked inheritance.
Retinitis pigmentosa 19 (RP19). Also called: ABCA4-Related Retinitis Pigmentosa. Identifiers: Orphanet 791, MedGen C1866422, MONDO:0011137, OMIM 601718.

Submissions (3):

Lab De Baere, Eye and Developmental Genetics Lab, Ghent University
Classification: Pathogenic for Retinitis pigmentosa. Last evaluated: 2024-10-01. Review status: criteria provided, single submitter. Criteria: ACMG Guidelines, 2015. Collection method: research. Allele origin: inherited. Affected: yes. Observed: 1 variant allele.
Comment: ACMG/AMP guidelines: PM2, PVS1

Broad Center for Mendelian Genomics, Broad Institute of MIT and Harvard
Classification: Likely pathogenic for Retinitis pigmentosa 19. Last evaluated: 2023-01-25. Review status: criteria provided, single submitter. Criteria: ACMG Guidelines, 2015. Collection method: curation. Allele origin: germline. Inheritance: Autosomal recessive inheritance.
Comment: The p.Phe1880LeufsTer13 variant in ABCA4 has been previously reported in one individual with autosomal recessive ABCA4-related retinopathy (PMID: 32893963). This variant was absent from large population studies. This variant is predicted to cause a frameshift, which alters the protein‚Äôs amino acid sequence beginning at position 1880 and leads to a premature termination codon 13 amino acids downstream. This alteration is then predicted to lead to a truncated or absent protein. Loss of function of the ABCA4 gene is an established disease mechanism in autosomal recessive ABCA4-related retinopathy. In summary, although additional studies are required to fully establish its clinical significance, this variant is likely pathogenic for autosomal recessive ABCA4-related retinopathy. ACMG/AMP Criteria applied: PVS1, PM2_Supporting (Richards 2015).

Pars Genome Lab
Classification: Pathogenic for Severe early-childhood-onset retinal dystrophy. Review status: criteria provided, single submitter. Criteria: ACMG Guidelines, 2015. Collection method: clinical testing. Allele origin: germline. Affected: yes.